The following is an entry in ClinVar:

ClinVar aggregate classification (germline): Likely benign (1 of 4 stars; one submission).

Submission:

GeneDx
Classification: Likely benign. Last evaluated: 2015-12-07. Review status: criteria provided, single submitter. Criteria: GeneDx Variant Classification (06012015). Collection method: clinical testing. Allele origin: germline. Affected: yes.
Comment: This variant is considered likely benign or benign based on one or more of the following criteria: it is a conservative change, it occurs at a poorly conserved position in the protein, it is predicted to be benign by multiple in silico algorithms, and/or has population frequency not consistent with disease.

NM_000337.6(SGCD):c.576-14_576-10del

Gene: SGCD (sarcoglycan delta; plus strand). Cytogenetic location: 5q33.3.
Variant type: Deletion.
Coding change: c.576-14_576-10del on transcript NM_000337.6 (MANE Select); 14 bases into the intron before coding-DNA position 576 through 10 bases into the intron before coding-DNA position 576, 5 bases deleted (TGGGT; older notation c.576-14_576-10delTGGGT).
Molecular consequence: intron variant.
Genome position (GRCh38, 1-based): chr5:156,757,567-156,757,571, TGGGT deleted; deleting any 5 consecutive bases within chr5:156,757,566-156,757,571 gives the same sequence; the c. name uses the placement nearest the transcript's 3' end. VCF-style (leftmost placement, unchanged base first): chr5-156757565-CTTGGG-C. GRCh37 (hg19) VCF-style: chr5-156184576-CTTGGG-C.
Other names: c.576-14_576-10delTGGGT (NM_000337.5); c.573-14_573-10del (NM_001128209.2); c.576-14_576-10del (NM_172244.3).
Identifiers: ClinVar variation 420236 (VCV000420236.1), dbSNP rs1064794366, ClinGen allele CA16618147.